The following is an entry in ClinVar:

NM_001845.6(COL4A1):c.388-5C>G

Gene: COL4A1 (collagen type IV alpha 1 chain; minus strand). Cytogenetic location: 13q34.
Variant type: single nucleotide variant.
Coding change: c.388-5C>G on transcript NM_001845.6 (MANE Select); 5 bases into the intron before coding-DNA position 388, C replaced by G.
Molecular consequence: intron variant.
Genome position (GRCh38, 1-based): chr13:110,211,927, G>C on the plus strand (C>G on the coding strand, the complement: COL4A1 is on the minus strand). VCF-style: chr13-110211927-G-C. GRCh37 (hg19) VCF-style: chr13-110864274-G-C.
Other names: c.388-5C>G (NM_001303110.2).
Identifiers: ClinVar variation 4749264 (VCV004749264.1).

ClinVar aggregate classification (germline): Uncertain significance (1 of 4 stars; one submission).

gnomAD v4.1: 8 of 1,614,110 alleles (0.0005%); highest among the groups gnomAD compares: South Asian, 0.0011%; no homozygotes.

Submission:

Labcorp Genetics (formerly Invitae), Labcorp
Classification: Uncertain significance. Last evaluated: 2025-10-09. Review status: criteria provided, single submitter. Criteria: Invitae Variant Classification Sherloc (09022015). Collection method: clinical testing. Allele origin: germline.
Comment: This sequence change falls in intron 6 of the COL4A1 gene. It does not directly change the encoded amino acid sequence of the COL4A1 protein. This variant is present in population databases (rs751439804, gnomAD 0.002%). This variant has not been reported in the literature in individuals affected with COL4A1-related conditions. Algorithms developed to predict the effect of sequence changes on RNA splicing suggest that this variant may disrupt the consensus splice site. In summary, the available evidence is currently insufficient to determine the role of this variant in disease. Therefore, it has been classified as a Variant of Uncertain Significance.